The following is an entry in ClinVar:

ClinVar aggregate classification (germline): Uncertain significance. Review status: criteria provided, multiple submitters, no conflicts (2 of 4 stars). 2 submissions from 2 submitters: Uncertain significance (2). Last evaluated 2025-11-19.

Conditions:
Fanconi anemia (FA). Also called: Fanconi's anemia. Identifiers: Orphanet 84, MedGen C0015625, MeSH D005199, MONDO:0019391.

gnomAD v4.1: 31 of 1,614,180 alleles (0.0019%); highest among the groups gnomAD compares: Non-Finnish European, 0.0026%; no homozygotes.

Submissions (2):

Labcorp Genetics (formerly Invitae), Labcorp
Classification: Uncertain significance for Fanconi anemia. Last evaluated: 2025-11-19. Review status: criteria provided, single submitter. Criteria: Invitae Variant Classification Sherloc (09022015). Collection method: clinical testing. Allele origin: germline.
Comment: This sequence change replaces histidine, which is basic and polar, with arginine, which is basic and polar, at codon 286 of the FANCF protein (p.His286Arg). This variant is present in population databases (rs368940253, gnomAD 0.003%). This variant has not been reported in the literature in individuals affected with FANCF-related conditions. ClinVar contains an entry for this variant (Variation ID: 1499326). Invitae Evidence Modeling of protein sequence and biophysical properties (such as structural, functional, and spatial information, amino acid conservation, physicochemical variation, residue mobility, and thermodynamic stability) indicates that this missense variant is not expected to disrupt FANCF protein function with a negative predictive value of 80%. In summary, the available evidence is currently insufficient to determine the role of this variant in disease. Therefore, it has been classified as a Variant of Uncertain Significance.

Blueprint Genetics
Classification: Uncertain significance. Last evaluated: 2022-08-02. Review status: criteria provided, single submitter. Criteria: ACMG Guidelines, 2015. Collection method: clinical testing. Allele origin: germline.

NM_022725.4(FANCF):c.857A>G (p.His286Arg)

Gene: FANCF (FA complementation group F; minus strand). Cytogenetic location: 11p14.3.
Variant type: single nucleotide variant.
Coding change: c.857A>G on transcript NM_022725.4 (MANE Select); coding-DNA position 857, A replaced by G.
Protein change: p.His286Arg; replaces histidine 286 with arginine.
Molecular consequence: missense variant.
Genome position (GRCh38, 1-based): chr11:22,624,954, T>C on the plus strand (A>G on the coding strand, the complement: FANCF is on the minus strand). VCF-style: chr11-22624954-T-C. GRCh37 (hg19) VCF-style: chr11-22646500-T-C.
Other names: short protein forms H286R.
Identifiers: ClinVar variation 1499326 (VCV001499326.9), dbSNP rs368940253, ClinGen allele CA5924244.